The following is an entry in ClinVar:

ClinVar aggregate classification (germline): Uncertain significance (1 of 4 stars; one submission).

Conditions:
POLRMT-related disorder. Also called: POLRMT-related condition.

Allele frequency attached by ClinVar (database versions not stated): gnomAD exomes below 0.00001; ExAC 0.00001; gnomAD 0.00001; TOPMed 0.00002; ESP Exome Variant Server 0.00008.

Submission:

PreventionGenetics, part of Exact Sciences
Classification: Uncertain significance for POLRMT-related condition. Last evaluated: 2023-09-21. Review status: criteria provided, single submitter. Criteria: ACMG Guidelines, 2015. Collection method: clinical testing. Allele origin: germline.
Comment: The POLRMT c.3666G>A variant is not predicted to result in an amino acid change (p.=). This variant is predicted to enhance a cryptic splice site within exon 21 based on splicing prediction programs (SpliceAI, Jaganathan K, et al. 2019. PubMed ID: 30661751). To our knowledge, this variant has not been reported in the literature. This variant is reported in 0.00089% of alleles in individuals of European (Non-Finnish) descent in gnomAD. At this time, the clinical significance of this variant is uncertain due to the absence of conclusive functional and genetic evidence.

NM_005035.4(POLRMT):c.3666G>A (p.Val1222=)

Gene: POLRMT (RNA polymerase mitochondrial; minus strand). Cytogenetic location: 19p13.3.
Variant type: single nucleotide variant.
Coding change: c.3666G>A on transcript NM_005035.4 (MANE Select); coding-DNA position 3666, G replaced by A.
Protein change: p.Val1222=; no amino-acid change (valine 1222 retained).
Molecular consequence: synonymous variant. On other transcripts: non-coding transcript variant (1).
Genome position (GRCh38, 1-based): chr19:617,301, C>T on the plus strand (G>A on the coding strand, the complement: POLRMT is on the minus strand). VCF-style: chr19-617301-C-T. GRCh37 (hg19) VCF-style: chr19-617301-C-T.
Other names: c.3687G>A, p.Val1229= (NM_001407805.1); c.3678G>A, p.Val1226= (NM_001407806.1); c.3675G>A, p.Val1225= (NM_001407807.1, NM_001407808.1); c.3657G>A, p.Val1219= (NM_001407809.1); c.3654G>A, p.Val1218= (NM_001407810.1); c.3645G>A, p.Val1215= (NM_001407811.1); c.3627G>A, p.Val1209= (NM_001407812.1); c.3624G>A, p.Val1208= (NM_001407813.1); and 10 more.
Identifiers: ClinVar variation 2630728 (VCV002630728.1), dbSNP rs370739693, ClinGen allele CA9018954.